The following is an entry in ClinVar:

NM_203290.4(POLR1C):c.358C>T (p.Arg120Cys)

Gene: POLR1C (RNA polymerase I and III subunit C; plus strand). Cytogenetic location: 6p21.1.
Variant type: single nucleotide variant.
Coding change: c.358C>T on transcript NM_203290.4 (MANE Select); coding-DNA position 358, C replaced by T.
Protein change: p.Arg120Cys; replaces arginine 120 with cysteine.
Molecular consequence: missense variant.
Genome position (GRCh38, 1-based): chr6:43,519,814, C>T. VCF-style: chr6-43519814-C-T. GRCh37 (hg19) VCF-style: chr6-43487552-C-T.
Other names: c.358C>T, p.Arg120Cys (NM_001318876.2, NM_001363658.2); c.358C>T (NM_203290.2); short protein forms R120C.
Identifiers: ClinVar variation 1375805 (VCV001375805.4), dbSNP rs146332364, ClinGen allele CA3825407.

ClinVar aggregate classification (germline): Uncertain significance. Review status: criteria provided, multiple submitters, no conflicts (2 of 4 stars). 2 submissions from 2 submitters: Uncertain significance (2). Last evaluated 2023-02-15.

Conditions:
Inborn genetic diseases. Identifiers: MedGen C0950123, MeSH D030342.

Allele frequency attached by ClinVar (database versions not stated): gnomAD exomes 0.00003 and 0.00010; ExAC 0.00009; gnomAD 0.00009; TOPMed 0.00010; ESP Exome Variant Server 0.00015.
gnomAD v4.1: 66 of 1,614,004 alleles (0.0041%); highest among the groups gnomAD compares: Admixed American, 0.023%; no homozygotes.

Submissions (2):

Ambry Genetics
Classification: Uncertain significance for Inborn genetic diseases. Last evaluated: 2023-02-15. Review status: criteria provided, single submitter. Criteria: Ambry Variant Classification Scheme 2023. Collection method: clinical testing. Allele origin: germline.

Labcorp Genetics (formerly Invitae), Labcorp
Classification: Uncertain significance. Last evaluated: 2022-07-19. Review status: criteria provided, single submitter. Criteria: Invitae Variant Classification Sherloc (09022015). Collection method: clinical testing. Allele origin: germline.
Comment: This sequence change replaces arginine, which is basic and polar, with cysteine, which is neutral and slightly polar, at codon 120 of the POLR1C protein (p.Arg120Cys). This variant is present in population databases (rs146332364, gnomAD 0.03%). This variant has not been reported in the literature in individuals affected with POLR1C-related conditions. ClinVar contains an entry for this variant (Variation ID: 1375805). Algorithms developed to predict the effect of missense changes on protein structure and function are either unavailable or do not agree on the potential impact of this missense change (SIFT: "Not Available"; PolyPhen-2: "Probably Damaging"; Align-GVGD: "Not Available"). In summary, the available evidence is currently insufficient to determine the role of this variant in disease. Therefore, it has been classified as a Variant of Uncertain Significance.